The following is an entry in ClinVar:

NM_004977.3(KCNC3):c.800C>G (p.Thr267Arg)

Genes: KCNC3 (potassium voltage-gated channel subfamily C member 3; minus strand), LOC130064972 (ATAC-STARR-seq lymphoblastoid silent region 10954; plus strand). Cytogenetic location: 19q13.33.
Variant type: single nucleotide variant.
Coding change: c.800C>G on transcript NM_004977.3 (MANE Select); coding-DNA position 800, C replaced by G.
Protein change: p.Thr267Arg; replaces threonine 267 with arginine.
Molecular consequence: missense variant.
Genome position (GRCh38, 1-based): chr19:50,328,283, G>C on the plus strand (C>G on the coding strand, the complement: KCNC3 is on the minus strand). VCF-style: chr19-50328283-G-C. GRCh37 (hg19) VCF-style: chr19-50831540-G-C.
Other names: c.572C>G, p.Thr191Arg (NM_001372305.1); short protein forms T191R, T267R.
Identifiers: ClinVar variation 3363230 (VCV003363230.1).

ClinVar aggregate classification (germline): Uncertain significance (1 of 4 stars; one submission).

Submission:

GeneDx
Classification: Uncertain significance. Last evaluated: 2023-10-19. Review status: criteria provided, single submitter. Criteria: GeneDx Variant Classification Process June 2021. Collection method: clinical testing. Allele origin: germline. Affected: yes.
Comment: Not observed at significant frequency in large population cohorts (gnomAD); In silico analysis supports that this missense variant does not alter protein structure/function; Has not been previously published as pathogenic or benign to our knowledge